The following is an entry in ClinVar:

NM_005144.5(HR):c.*756G>T

Gene: HR (HR lysine demethylase and nuclear receptor corepressor; minus strand). Cytogenetic location: 8p21.3.
Variant type: single nucleotide variant.
Coding change: c.*756G>T on transcript NM_005144.5 (MANE Select); 756 bases downstream of the stop codon, G replaced by T.
Molecular consequence: 3 prime UTR variant.
Genome position (GRCh38, 1-based): chr8:22,114,944, C>A on the plus strand (G>T on the coding strand, the complement: HR is on the minus strand). VCF-style: chr8-22114944-C-A. GRCh37 (hg19) VCF-style: chr8-21972457-C-A.
Other names: c.*756G>T (NM_018411.4).
Identifiers: ClinVar variation 911826 (VCV000911826.4), dbSNP rs116456103, ClinGen allele CA173489442.

ClinVar aggregate classification (germline): Benign. Review status: criteria provided, single submitter (1 of 4 stars). 2 submissions from 1 submitter: Benign (2). Last evaluated 2018-01-13.

Conditions:
Alopecia universalis congenita (ALUNC). Also called: ATRICHIA, GENERALIZED. Identifiers: Orphanet 701, MedGen C1859877, MONDO:0008757, OMIM 203655.
Atrichia with papular lesions (APL). Also called: PAPULAR ATRICHIA. Identifiers: Orphanet 86819, MedGen C1859592, MONDO:0008847, OMIM 209500.

Allele frequency attached by ClinVar (database versions not stated): gnomAD 0.00530 and 0.00573; TOPMed 0.00575; 1000 Genomes Project 0.00619; 1000 Genomes Project 30x 0.00640.

Submissions (2):

Illumina Laboratory Services, Illumina
Classification: Benign for Alopecia universalis congenita. Last evaluated: 2018-01-13. Review status: criteria provided, single submitter. Criteria: ICSL Variant Classification Criteria 13 December 2019. Collection method: clinical testing. Allele origin: germline.
Comment: This variant was observed in the ICSL laboratory as part of a predisposition screen in an ostensibly healthy population. It had not been previously curated by ICSL or reported in the Human Gene Mutation Database (HGMD: prior to June 1st, 2018), and was therefore a candidate for classification through an automated scoring system. Utilizing variant allele frequency, disease prevalence and penetrance estimates, and inheritance mode, an automated score was calculated to assess if this variant is too frequent to cause the disease. Based on the score and internal cut-off values, a variant classified as benign is not then subjected to further curation. The score for this variant resulted in a classification of benign for this disease.

Illumina Laboratory Services, Illumina
Classification: Benign for Atrichia with papular lesions. Last evaluated: 2018-01-13. Review status: criteria provided, single submitter. Criteria: ICSL Variant Classification Criteria 13 December 2019. Collection method: clinical testing. Allele origin: germline.
Comment: the same text as in the submission from Illumina Laboratory Services, Illumina above.